The following is an entry in ClinVar:

NM_000051.4(ATM):c.1999A>G (p.Arg667Gly)

Gene: ATM (ATM serine/threonine kinase; plus strand). Cytogenetic location: 11q22.3.
Variant type: single nucleotide variant.
Coding change: c.1999A>G on transcript NM_000051.4 (MANE Select); coding-DNA position 1999, A replaced by G.
Protein change: p.Arg667Gly; replaces arginine 667 with glycine.
Molecular consequence: missense variant.
Genome position (GRCh38, 1-based): chr11:108,253,914, A>G. VCF-style: chr11-108253914-A-G. GRCh37 (hg19) VCF-style: chr11-108124641-A-G.
Other names: c.1999A>G, p.Arg667Gly (NM_001351834.2); short protein forms R667G.
Identifiers: ClinVar variation 1784106 (VCV001784106.3), dbSNP rs2497313853, ClinGen allele CA382537011.

ClinVar aggregate classification (germline): Uncertain significance (1 of 4 stars; one submission).

Conditions:
Hereditary cancer-predisposing syndrome. Also called: Neoplastic Syndromes, Hereditary; Tumor predisposition; Hereditary Cancer Syndrome; Hereditary neoplastic syndrome. Identifiers: Orphanet 140162, MedGen C0027672, MeSH D009386, MONDO:0015356.

Submission:

Ambry Genetics
Classification: Uncertain significance for Hereditary cancer-predisposing syndrome. Last evaluated: 2025-09-12. Review status: criteria provided, single submitter. Criteria: Ambry Variant Classification Scheme 2023. Collection method: clinical testing. Allele origin: germline.
Comment: The p.R667G variant (also known as c.1999A>G), located in coding exon 12 of the ATM gene, results from an A to G substitution at nucleotide position 1999. The arginine at codon 667 is replaced by glycine, an amino acid with dissimilar properties. This amino acid position is conserved. In addition, this alteration is predicted to be tolerated by in silico analysis. Since supporting evidence is limited at this time, the clinical significance of this alteration remains unclear.